The following is an entry in ClinVar:

ClinVar aggregate classification (germline): Benign. Review status: criteria provided, multiple submitters, no conflicts (2 of 4 stars). 8 submissions from 7 submitters: Benign (8). Last evaluated 2026-02-04.

Conditions:
Severe early-childhood-onset retinal dystrophy (STGD1). Also called: Stargardt macular dystrophy; Juvenile onset macular degeneration; Stargardt disease 1; MACULAR DYSTROPHY WITH FLECKS, TYPE 1; STGD. Identifiers: Orphanet 364055, Orphanet 827, MedGen C1855465, MeSH D000080362, MONDO:0009549, OMIM 248200.
Achromatopsia 3 (ACHM3). Also called: PINGELAPESE BLINDNESS; TOTAL COLORBLINDNESS WITH MYOPIA; ROD MONOCHROMACY 1; ROD MONOCHROMATISM 1; ACHROMATOPSIA WITH MYOPIA. Identifiers: Orphanet 49382, MedGen C1849792, MONDO:0009875, OMIM 262300.

Allele frequency attached by ClinVar (database versions not stated): ExAC 0.05176; 1000 Genomes Project 0.06609; gnomAD exomes 0.03579 and 0.05662; gnomAD 0.04794 and 0.04923; 1000 Genomes Project 30x 0.06512; ESP Exome Variant Server 0.03967; TOPMed 0.04987.
gnomAD v4.1: 58,379 of 1,565,710 alleles (3.7%); highest among the groups gnomAD compares: East Asian, 12%; 1,544 homozygotes.

Submissions (8):

Labcorp Genetics (formerly Invitae), Labcorp
Classification: Benign. Last evaluated: 2026-02-04. Review status: criteria provided, single submitter. Criteria: Invitae Variant Classification Sherloc (09022015). Collection method: clinical testing. Allele origin: germline.

Blueprint Genetics
Classification: Benign. Last evaluated: 2024-11-27. Review status: criteria provided, single submitter. Criteria: ACMG Guidelines, 2015. Collection method: clinical testing. Allele origin: germline.

Genome-Nilou Lab
Classification: Benign for Achromatopsia 3. Last evaluated: 2021-07-10. Review status: criteria provided, single submitter. Criteria: ACMG Guidelines, 2015. Collection method: clinical testing. Allele origin: germline. Affected: no.

Illumina Laboratory Services, Illumina
Classification: Benign for Achromatopsia 3. Last evaluated: 2018-01-13. Review status: criteria provided, single submitter. Criteria: ICSL Variant Classification Criteria 13 December 2019. Collection method: clinical testing. Allele origin: germline.
Comment: This variant was observed in the ICSL laboratory as part of a predisposition screen in an ostensibly healthy population. It had not been previously curated by ICSL or reported in the Human Gene Mutation Database (HGMD: prior to June 1st, 2018), and was therefore a candidate for classification through an automated scoring system. Utilizing variant allele frequency, disease prevalence and penetrance estimates, and inheritance mode, an automated score was calculated to assess if this variant is too frequent to cause the disease. Based on the score and internal cut-off values, a variant classified as benign is not then subjected to further curation. The score for this variant resulted in a classification of benign for this disease.

Illumina Laboratory Services, Illumina
Classification: Benign for Severe early-childhood-onset retinal dystrophy. Last evaluated: 2018-01-13. Review status: criteria provided, single submitter. Criteria: ICSL Variant Classification Criteria 13 December 2019. Collection method: clinical testing. Allele origin: germline.
Comment: the same text as in the submission from Illumina Laboratory Services, Illumina above.

GeneDx
Classification: Benign. Last evaluated: 2015-03-03. Review status: criteria provided, single submitter. Criteria: GeneDx Variant Classification Process June 2021. Collection method: clinical testing. Allele origin: germline. Affected: yes.

Breakthrough Genomics
Classification: Benign. Review status: criteria provided, single submitter. Criteria: ACMG Guidelines, 2015. Collection method: not provided. Allele origin: germline. Inheritance: Autosomal recessive inheritance. Affected: yes.

PreventionGenetics, part of Exact Sciences
Classification: Benign. Review status: criteria provided, single submitter. Criteria: ACMG Guidelines, 2015. Collection method: clinical testing. Allele origin: germline.

NM_019098.5(CNGB3):c.211+13T>G

Gene: CNGB3 (cyclic nucleotide gated channel subunit beta 3; minus strand). Cytogenetic location: 8q21.3.
Variant type: single nucleotide variant.
Coding change: c.211+13T>G on transcript NM_019098.5 (MANE Select); 13 bases into the intron after coding-DNA position 211, T replaced by G.
Molecular consequence: intron variant.
Genome position (GRCh38, 1-based): chr8:86,739,642, A>C on the plus strand (T>G on the coding strand, the complement: CNGB3 is on the minus strand). VCF-style: chr8-86739642-A-C. GRCh37 (hg19) VCF-style: chr8-87751870-A-C.
Identifiers: ClinVar variation 261086 (VCV000261086.20), dbSNP rs66881636, ClinGen allele CA4800497.